The following is an entry in ClinVar:

NM_002878.4(RAD51D):c.772G>A (p.Gly258Arg)

Genes: RAD51D (RAD51 paralog D; minus strand), RAD51L3-RFFL (RAD51L3-RFFL readthrough; minus strand). Cytogenetic location: 17q12.
Variant type: single nucleotide variant.
Coding change: c.772G>A on transcript NM_002878.4 (MANE Select); coding-DNA position 772, G replaced by A.
Protein change: p.Gly258Arg; replaces glycine 258 with arginine.
Molecular consequence: missense variant. On other transcripts: non-coding transcript variant (3).
Genome position (GRCh38, 1-based): chr17:35,101,332, C>T on the plus strand (G>A on the coding strand, the complement: RAD51D is on the minus strand). VCF-style: chr17-35101332-C-T. GRCh37 (hg19) VCF-style: chr17-33428351-C-T.
Other names: c.832G>A, p.Gly278Arg (NM_001142571.2); c.436G>A, p.Gly146Arg (NM_133629.3); short protein forms G258R, G278R, G146R.
Identifiers: ClinVar variation 186803 (VCV000186803.26), dbSNP rs181695922, ClinGen allele CA195911.

ClinVar aggregate classification (germline): Conflicting classifications of pathogenicity. Review status: criteria provided, conflicting classifications (1 of 4 stars). 8 submissions from 8 submitters: Uncertain significance (5); Likely benign (1). 2 of the submissions do not count toward it. Last evaluated 2026-01-25.

Conditions:
RAD51D-related disorder. Also called: RAD51D-related condition.
Familial ovarian cancer. Identifiers: MedGen C5679802, MONDO:0016248.
Hereditary cancer-predisposing syndrome. Also called: Neoplastic Syndromes, Hereditary; Tumor predisposition; Hereditary Cancer Syndrome; Hereditary neoplastic syndrome. Identifiers: Orphanet 140162, MedGen C0027672, MeSH D009386, MONDO:0015356.
Breast-ovarian cancer, familial, susceptibility to, 4. Identifiers: Orphanet 145, MedGen C3280345, MONDO:0013669, OMIM 614291.
Malignant tumor of breast. Also called: Malignant breast neoplasm; Cancer breast. Identifiers: MedGen C0006142, MONDO:0007254. Disease mechanism: loss of function.

Allele frequency attached by ClinVar (database versions not stated): TOPMed below 0.00001; gnomAD 0.00001 and 0.00003; gnomAD exomes 0.00004; ExAC 0.00005; 1000 Genomes Project 30x 0.00031; 1000 Genomes Project 0.00040.

Submissions (8):

Labcorp Genetics (formerly Invitae), Labcorp
Classification: Uncertain significance for Breast-ovarian cancer, familial, susceptibility to, 4. Last evaluated: 2026-01-25. Review status: criteria provided, single submitter. Criteria: Invitae Variant Classification Sherloc (09022015). Collection method: clinical testing. Allele origin: germline.
Comment: This sequence change replaces glycine, which is neutral and non-polar, with arginine, which is basic and polar, at codon 258 of the RAD51D protein (p.Gly258Arg). This variant is present in population databases (rs181695922, gnomAD 0.03%). This variant has not been reported in the literature in individuals affected with RAD51D-related conditions. ClinVar contains an entry for this variant (Variation ID: 186803). Invitae Evidence Modeling of protein sequence and biophysical properties (such as structural, functional, and spatial information, amino acid conservation, physicochemical variation, residue mobility, and thermodynamic stability) indicates that this missense variant is not expected to disrupt RAD51D protein function with a negative predictive value of 80%. In summary, the available evidence is currently insufficient to determine the role of this variant in disease. Therefore, it has been classified as a Variant of Uncertain Significance.

Color Diagnostics, LLC DBA Color Health
Classification: Uncertain significance for Hereditary cancer-predisposing syndrome. Last evaluated: 2025-10-14. Review status: criteria provided, single submitter. Criteria: ACMG Guidelines, 2015. Collection method: clinical testing. Allele origin: germline.
Comment: This missense variant replaces glycine with arginine at codon 258 of the RAD51D protein. Computational prediction suggests that this variant may not impact protein structure and function. To our knowledge, functional studies have not been reported for this variant. This variant has not been reported in individuals affected with hereditary cancer in the literature. This variant has been identified in 12/282760 chromosomes in the general population by the Genome Aggregation Database (gnomAD). The available evidence is insufficient to determine the role of this variant in disease conclusively. Therefore, this variant is classified as a Variant of Uncertain Significance.

Molecular Pathology, Peter Maccallum Cancer Centre
Classification: Uncertain significance for Familial ovarian cancer. Last evaluated: 2025-03-25. Review status: criteria provided, single submitter. Criteria: ACMG Guidelines, 2015. Collection method: clinical testing. Allele origin: germline. Inheritance: Autosomal dominant inheritance.

Baylor Genetics
Classification: Uncertain significance for Breast-ovarian cancer, familial, susceptibility to, 4. Last evaluated: 2024-03-25. Review status: criteria provided, single submitter. Criteria: ACMG Guidelines, 2015. Collection method: clinical testing. Allele origin: unknown.

Ambry Genetics
Classification: Likely benign for Hereditary cancer-predisposing syndrome. Last evaluated: 2024-02-02. Review status: criteria provided, single submitter. Criteria: Ambry Variant Classification Scheme 2023. Collection method: clinical testing. Allele origin: germline.

GeneDx
Classification: Uncertain significance. Last evaluated: 2023-07-31. Review status: criteria provided, single submitter. Criteria: GeneDx Variant Classification Process June 2021. Collection method: clinical testing. Allele origin: germline. Affected: yes.
Comment: Observed in an individual with breast cancer (PMID: 25186627); In silico analysis supports that this missense variant has a deleterious effect on protein structure/function; This variant is associated with the following publications: (PMID: 25186627, 21111057, 14704354, 19327148)

PreventionGenetics, part of Exact Sciences
Classification: Uncertain significance for RAD51D-related condition. Last evaluated: 2024-04-26. Review status: no assertion criteria provided. Collection method: clinical testing. Allele origin: germline. Not counted in ClinVar's aggregate classification.
Comment: The RAD51D c.772G>A variant is predicted to result in the amino acid substitution p.Gly258Arg. To our knowledge, this variant has not been reported in the literature. This variant is reported in 0.029% of alleles in individuals of South Asian descent in gnomAD and has been interpreted as variant of uncertain significance in the ClinVar database. At this time, the clinical significance of this variant is uncertain due to the absence of conclusive functional and genetic evidence.

Department of Pathology and Laboratory Medicine, Sinai Health System
Classification: Uncertain significance for Malignant tumor of breast. Review status: no assertion criteria provided. Collection method: clinical testing. Allele origin: unknown. Affected: yes. Observed: 1 variant allele. Study: The Canadian Open Genetics Repository (COGR). Not counted in ClinVar's aggregate classification.
Comment: The RAD51D p.Gly258Arg variant was not identified in the literature nor was it identified in the Cosmic database. The variant was identified in dbSNP (ID: rs181695922) as "With Uncertain significance allele", ClinVar (classified as uncertain significance by Ambry Genetics and Invitae), and Clinvitae databases. The variant was identified in control databases in 12 of 277124 chromosomes at a frequency of 0.00004 (Genome Aggregation Database Feb 27, 2017). Breakdown of the observations by population include European in 3 of 126708 chromosomes (freq: 0.00002), and South Asian in 9 of 30782 chromosomes (freq: 0.0003), while the variant was not observed in the African, Other, Latino, Ashkenazi Jewish, East Asian, or Finnish populations. The p.Gly258 residue is not conserved in mammals and computational analyses (PolyPhen-2, SIFT, AlignGVGD, BLOSUM, MutationTaster) provide inconsistent predictions regarding the impact to the protein; this information is not very predictive of pathogenicity. The variant occurs outside of the splicing consensus sequence and 1 of 5 in silico or computational prediction software programs (SpliceSiteFinder, MaxEntScan, NNSPLICE, GeneSplicer, HumanSpliceFinder) predict a greater than 10% difference in splicing; this is not very predictive of pathogenicity. In summary, based on the above information the clinical significance of this variant cannot be determined with certainty at this time. This variant is classified as a variant of uncertain significance.

Literature cited by the submitters: PubMed 25186627 (cited by Ambry Genetics).